The following is an entry in ClinVar:

NM_012238.5(SIRT1):c.209C>T (p.Ala70Val)

Genes: SIRT1 (sirtuin 1; plus strand), LOC107832851 (SIRT1 promoter region; plus strand). Cytogenetic location: 10q21.3.
Variant type: single nucleotide variant.
Coding change: c.209C>T on transcript NM_012238.5 (MANE Select); coding-DNA position 209, C replaced by T.
Protein change: p.Ala70Val; replaces alanine 70 with valine.
Molecular consequence: missense variant.
Genome position (GRCh38, 1-based): chr10:67,884,930, C>T. VCF-style: chr10-67884930-C-T. GRCh37 (hg19) VCF-style: chr10-69644688-C-T.
Other names: c.209C>T (NM_012238.4); short protein forms A70V.
Identifiers: ClinVar variation 1499172 (VCV001499172.4), dbSNP rs751564985, ClinGen allele CA5520977.

ClinVar aggregate classification (germline): Conflicting classifications of pathogenicity. Review status: criteria provided, conflicting classifications (1 of 4 stars). 2 submissions from 2 submitters: Uncertain significance (1); Likely benign (1). Last evaluated 2023-11-14.

Allele frequency attached by ClinVar (database versions not stated): gnomAD exomes 0.00001; gnomAD 0.00003 and 0.00004; TOPMed 0.00013.
gnomAD v4.1: 22 of 1,229,210 alleles (0.0018%); highest among the groups gnomAD compares: Middle Eastern, 0.028%; 1 homozygote.

Submissions (2):

Ambry Genetics
Classification: Likely benign. Last evaluated: 2023-11-14. Review status: criteria provided, single submitter. Criteria: Ambry Variant Classification Scheme 2023. Collection method: clinical testing. Allele origin: germline.

Labcorp Genetics (formerly Invitae), Labcorp
Classification: Uncertain significance. Last evaluated: 2022-01-18. Review status: criteria provided, single submitter. Criteria: Invitae Variant Classification Sherloc (09022015). Collection method: clinical testing. Allele origin: germline.
Comment: This sequence change replaces alanine, which is neutral and non-polar, with valine, which is neutral and non-polar, at codon 70 of the SIRT1 protein (p.Ala70Val). This variant is present in population databases (rs751564985, gnomAD 0.1%). This variant has not been reported in the literature in individuals affected with SIRT1-related conditions. Algorithms developed to predict the effect of missense changes on protein structure and function output the following: SIFT: "Tolerated"; PolyPhen-2: "Possibly Damaging"; Align-GVGD: "Class C0". The valine amino acid residue is found in multiple mammalian species, which suggests that this missense change does not adversely affect protein function. In summary, the available evidence is currently insufficient to determine the role of this variant in disease. Therefore, it has been classified as a Variant of Uncertain Significance.